The following is an entry in ClinVar:

ClinVar aggregate classification (germline): Likely pathogenic (1 of 4 stars; one submission).

Conditions:
PI4KA-related disorder. Also called: PI4KA-related disorders; PI4KA-related condition. Identifiers: MedGen CN378147, MONDO:1040012.

gnomAD v4.1: 1 of 1,591,908 alleles (0.000063%); highest among the groups gnomAD compares: South Asian, 0.0011%; no homozygotes.

Submission:

PreventionGenetics, part of Exact Sciences
Classification: Likely pathogenic for PI4KA-related condition. Last evaluated: 2026-07-31. Review status: criteria provided, single submitter. Criteria: ACMG Guidelines, 2015. Collection method: clinical testing. Allele origin: germline.
Comment: The PI4KA c.3243+1G>T variant is predicted to disrupt the GT donor site and interfere with normal splicing. To our knowledge, this variant has not been reported in the literature or in a large population database (gnomAD), indicating this variant is rare. Variants that disrupt the consensus splice donor site in PI4KA are expected to be pathogenic. This variant is interpreted as likely pathogenic.

NM_058004.4(PI4KA):c.3243+1G>T

Gene: PI4KA (phosphatidylinositol 4-kinase alpha; minus strand). Cytogenetic location: 22q11.21.
Variant type: single nucleotide variant.
Coding change: c.3243+1G>T on transcript NM_058004.4 (MANE Select); the canonical splice donor site of the intron after coding-DNA position 3243, G replaced by T.
Molecular consequence: splice donor variant.
Genome position (GRCh38, 1-based): chr22:20,749,904, C>A on the plus strand (G>T on the coding strand, the complement: PI4KA is on the minus strand). VCF-style: chr22-20749904-C-A. GRCh37 (hg19) VCF-style: chr22-21104192-C-A.
Other names: c.3177+1G>T (NM_001362863.2); c.3243+1G>T (NM_001362862.2).
Identifiers: ClinVar variation 4986045 (VCV004986045.1).